The following is an entry in ClinVar:

ClinVar aggregate classification (germline): Uncertain significance (1 of 4 stars; one submission).

Submission:

GeneDx
Classification: Uncertain significance. Last evaluated: 2026-02-17. Review status: criteria provided, single submitter. Criteria: GeneDx Variant Classification Process June 2021. Collection method: clinical testing. Allele origin: germline.
Comment: Not observed at significant frequency in large population cohorts (gnomAD); In silico analysis supports that this missense variant has a deleterious effect on protein structure/function; Has not been previously published as pathogenic or benign to our knowledge

NM_015338.6(ASXL1):c.4435A>T (p.Asn1479Tyr)

Gene: ASXL1 (ASXL transcriptional regulator 1; plus strand). Cytogenetic location: 20q11.21.
Variant type: single nucleotide variant.
Coding change: c.4435A>T on transcript NM_015338.6 (MANE Select); coding-DNA position 4435, A replaced by T.
Protein change: p.Asn1479Tyr; replaces asparagine 1479 with tyrosine.
Molecular consequence: missense variant.
Genome position (GRCh38, 1-based): chr20:32,437,147, A>T. VCF-style: chr20-32437147-A-T. GRCh37 (hg19) VCF-style: chr20-31024950-A-T.
Other names: c.4252A>T, p.Asn1418Tyr (NM_001363734.1); short protein forms N1418Y, N1479Y.
Identifiers: ClinVar variation 2500450 (VCV002500450.2), dbSNP rs1417907059, ClinGen allele CA408565157.